The following is an entry in ClinVar:

NM_178170.3(NEK8):c.1086T>A (p.Gly362=)

Gene: NEK8 (NIMA related kinase 8; plus strand). Cytogenetic location: 17q11.2.
Variant type: single nucleotide variant.
Coding change: c.1086T>A on transcript NM_178170.3 (MANE Select); coding-DNA position 1086, T replaced by A.
Protein change: p.Gly362=; no amino-acid change (glycine 362 retained).
Molecular consequence: synonymous variant.
Genome position (GRCh38, 1-based): chr17:28,738,109, T>A. VCF-style: chr17-28738109-T-A. GRCh37 (hg19) VCF-style: chr17-27065127-T-A.
Other names: c.1086T>A (NM_178170.2).
Identifiers: ClinVar variation 2143743 (VCV002143743.5), dbSNP rs202091769, ClinGen allele CA8467306.

ClinVar aggregate classification (germline): Likely benign. Review status: criteria provided, multiple submitters, no conflicts (2 of 4 stars). 2 submissions from 2 submitters: Likely benign (2). Last evaluated 2024-10-24.

Conditions:
NEK8-related disorder. Also called: NEK8-related condition.
Nephronophthisis 9 (NPHP9). Identifiers: Orphanet 655, MedGen C3151188, MONDO:0013444, OMIM 613824.

Allele frequency attached by ClinVar (database versions not stated): gnomAD exomes below 0.00001; TOPMed 0.00001; gnomAD 0.00002; ExAC 0.00005; 1000 Genomes Project 30x 0.00016; 1000 Genomes Project 0.00020.
gnomAD v4.1: 8 of 1,613,650 alleles (0.0005%); highest among the groups gnomAD compares: East Asian, 0.018%; no homozygotes.

Submissions (2):

PreventionGenetics, part of Exact Sciences
Classification: Likely benign for NEK8-related condition. Last evaluated: 2024-10-24. Review status: criteria provided, single submitter. Criteria: ACMG Guidelines, 2015. Collection method: clinical testing. Allele origin: germline.
Comment: This variant is classified as likely benign based on ACMG/AMP sequence variant interpretation guidelines (Richards et al. 2015 PMID: 25741868, with internal and published modifications).

Labcorp Genetics (formerly Invitae), Labcorp
Classification: Likely benign for Nephronophthisis 9. Last evaluated: 2024-06-03. Review status: criteria provided, single submitter. Criteria: Invitae Variant Classification Sherloc (09022015). Collection method: clinical testing. Allele origin: germline.